The following is an entry in ClinVar:

ClinVar aggregate classification (germline): Uncertain significance. Review status: criteria provided, multiple submitters, no conflicts (2 of 4 stars). 3 submissions from 3 submitters: Uncertain significance (3). Last evaluated 2025-11-23.

Conditions:
Autoimmune enteropathy and endocrinopathy - susceptibility to chronic infections syndrome. Also called: Immunodeficiency 31C, autosomal dominant; Immunodeficiency 31C. Identifiers: Orphanet 391487, MedGen C3279990, MONDO:0013599, OMIM 614162.
Mendelian susceptibility to mycobacterial diseases due to partial STAT1 deficiency. Also called: IMMUNODEFICIENCY 31A, MYCOBACTERIOSIS, AUTOSOMAL DOMINANT; STAT1 DEFICIENCY, AUTOSOMAL DOMINANT; Immunodeficiency 31a. Identifiers: Orphanet 319595, MedGen C4013950, MONDO:0013956, OMIM 614892.
Immunodeficiency 31B. Also called: STAT1 DEFICIENCY, AUTOSOMAL RECESSIVE; IMMUNODEFICIENCY 31B, MYCOBACTERIAL AND VIRAL INFECTIONS, AUTOSOMAL RECESSIVE. Identifiers: Orphanet 391311, MedGen C3151088, MONDO:0013427, OMIM 613796.

Allele frequency attached by ClinVar (database versions not stated): gnomAD 0.00003 and 0.00004; TOPMed 0.00005; ExAC 0.00013; ESP Exome Variant Server 0.00015.
gnomAD v4.1: 81 of 1,613,930 alleles (0.005%); highest among the groups gnomAD compares: Middle Eastern, 0.049%; no homozygotes.

Submissions (3):

Labcorp Genetics (formerly Invitae), Labcorp
Classification: Uncertain significance for Mendelian susceptibility to mycobacterial diseases due to partial STAT1 deficiency; Immunodeficiency 31B; Autoimmune enteropathy and endocrinopathy - susceptibility to chronic infections syndrome. Last evaluated: 2025-11-23. Review status: criteria provided, single submitter. Criteria: Invitae Variant Classification Sherloc (09022015). Collection method: clinical testing. Allele origin: germline.
Comment: This sequence change replaces proline, which is neutral and non-polar, with histidine, which is basic and polar, at codon 696 of the STAT1 protein (p.Pro696His). This variant is present in population databases (rs138723664, gnomAD 0.02%). This missense change has been observed in individual(s) with clinical features of autosomal dominant STAT1-related conditions (PMID: 32135276). ClinVar contains an entry for this variant (Variation ID: 632063). An algorithm developed to predict the effect of missense changes on protein structure and function (PolyPhen-2) suggests that this variant is likely to be tolerated. In summary, the available evidence is currently insufficient to determine the role of this variant in disease. Therefore, it has been classified as a Variant of Uncertain Significance.

Fulgent Genetics
Classification: Uncertain significance for Immunodeficiency 31B; Autoimmune enteropathy and endocrinopathy - susceptibility to chronic infections syndrome; Mendelian susceptibility to mycobacterial diseases due to partial STAT1 deficiency. Last evaluated: 2022-02-24. Review status: criteria provided, single submitter. Criteria: ACMG Guidelines, 2015. Collection method: clinical testing. Allele origin: unknown.

Breakthrough Genomics
Classification: Uncertain significance. Review status: criteria provided, single submitter. Criteria: ACMG Guidelines, 2015. Collection method: not provided. Allele origin: germline. Inheritance: Autosomal recessive inheritance. Affected: yes.

Literature cited by the submitters: PubMed 32135276 (cited by Labcorp Genetics (formerly Invitae), Labcorp).

NM_007315.4(STAT1):c.2087C>A (p.Pro696His)

Gene: STAT1 (signal transducer and activator of transcription 1; minus strand). Cytogenetic location: 2q32.2.
Variant type: single nucleotide variant.
Coding change: c.2087C>A on transcript NM_007315.4 (MANE Select); coding-DNA position 2087, C replaced by A.
Protein change: p.Pro696His; replaces proline 696 with histidine.
Molecular consequence: missense variant. On other transcripts: intron variant (1).
Genome position (GRCh38, 1-based): chr2:190,975,860, G>T on the plus strand (C>A on the coding strand, the complement: STAT1 is on the minus strand). VCF-style: chr2-190975860-G-T. GRCh37 (hg19) VCF-style: chr2-191840586-G-T.
Other names: c.2027C>A, p.Pro676His (NM_001384880.1); c.2093C>A, p.Pro698His (NM_001384881.1); c.2081C>A, p.Pro694His (NM_001384882.1); c.1988C>A, p.Pro663His (NM_001384883.1); c.1928C>A, p.Pro643His (NM_001384885.1); c.2111C>A, p.Pro704His (NM_001384886.1); c.1994C>A, p.Pro665His (NM_001384887.1); c.2057C>A, p.Pro686His (NM_001384888.1); and 4 more; short protein forms P696H, P643H, P663H, P665H, P666H, P676H, P686H, P694H.
Identifiers: ClinVar variation 632063 (VCV000632063.10), dbSNP rs138723664, ClinGen allele CA2029744.